The following is an entry in ClinVar:

NM_025136.4(OPA3):c.445C>T (p.Leu149=)

Genes: OPA3 (outer mitochondrial membrane lipid metabolism regulator OPA3; minus strand), OPA3-RTN2 (OPA3-RTN2 readthrough; minus strand). Cytogenetic location: 19q13.32.
Variant type: single nucleotide variant.
Coding change: c.445C>T on transcript NM_025136.4 (MANE Select); coding-DNA position 445, C replaced by T.
Protein change: p.Leu149=; no amino-acid change (leucine 149 retained).
Molecular consequence: synonymous variant. On other transcripts: intron variant (1).
Genome position (GRCh38, 1-based): chr19:45,553,609, G>A on the plus strand (C>T on the coding strand, the complement: OPA3 is on the minus strand). VCF-style: chr19-45553609-G-A. GRCh37 (hg19) VCF-style: chr19-46056867-G-A.
Other names: c.143-24153C>T (NM_001017989.3).
Identifiers: ClinVar variation 388463 (VCV000388463.8), dbSNP rs1057523113, ClinGen allele CA16608271.

ClinVar aggregate classification (germline): Likely benign. Review status: criteria provided, multiple submitters, no conflicts (2 of 4 stars). 2 submissions from 2 submitters: Likely benign (2). Last evaluated 2023-10-14.

Conditions:
3-Methylglutaconic aciduria type 3 (MGCA3). Also called: Costeff Syndrome; OPA3, AUTOSOMAL RECESSIVE; OPTIC ATROPHY 3, AUTOSOMAL RECESSIVE; OPA3-Related 3-Methylglutaconic Aciduria. Identifiers: Orphanet 67047, MedGen C0574084, MONDO:0009787, OMIM 258501.
Optic atrophy 3 (OPA3). Also called: OPTIC ATROPHY 3, AUTOSOMAL DOMINANT; Optic atrophy, cataract, and neurologic disorder; Optic atrophy 3 with cataract. Identifiers: Orphanet 67036, MedGen C1833809, MONDO:0008133, OMIM 165300.

Allele frequency attached by ClinVar (database versions not stated): gnomAD exomes below 0.00001 and 0.00002.
gnomAD v4.1: 23 of 1,610,118 alleles (0.0014%); highest among the groups gnomAD compares: Non-Finnish European, 0.002%; no homozygotes.

Submissions (2):

Labcorp Genetics (formerly Invitae), Labcorp
Classification: Likely benign for 3-Methylglutaconic aciduria type 3; Optic atrophy 3. Last evaluated: 2023-10-14. Review status: criteria provided, single submitter. Criteria: Invitae Variant Classification Sherloc (09022015). Collection method: clinical testing. Allele origin: germline.

GeneDx
Classification: Likely benign. Last evaluated: 2016-08-16. Review status: criteria provided, single submitter. Criteria: GeneDx Variant Classification (06012015). Collection method: clinical testing. Allele origin: germline. Affected: yes.
Comment: This variant is considered likely benign or benign based on one or more of the following criteria: it is a conservative change, it occurs at a poorly conserved position in the protein, it is predicted to be benign by multiple in silico algorithms, and/or has population frequency not consistent with disease.